The following is an entry in ClinVar:

NM_003072.5(SMARCA4):c.1832A>T (p.Gln611Leu)

Gene: SMARCA4 (SWI/SNF related BAF chromatin remodeling complex subunit ATPase 4; plus strand). Cytogenetic location: 19p13.2.
Variant type: single nucleotide variant.
Coding change: c.1832A>T on transcript NM_003072.5 (MANE Select); coding-DNA position 1832, A replaced by T.
Protein change: p.Gln611Leu; replaces glutamine 611 with leucine.
Molecular consequence: missense variant. On other transcripts: non-coding transcript variant (1).
Genome position (GRCh38, 1-based): chr19:11,003,048, A>T. VCF-style: chr19-11003048-A-T. GRCh37 (hg19) VCF-style: chr19-11113724-A-T.
Other names: c.1832A>T, p.Gln611Leu (NM_001128844.3, NM_001128845.2, NM_001128846.2 and 5 more transcripts); short protein forms Q611L.
Identifiers: ClinVar variation 653232 (VCV000653232.8), dbSNP rs1600132569, ClinGen allele CA404051425.

ClinVar aggregate classification (germline): Uncertain significance (1 of 4 stars; one submission).

Conditions:
Rhabdoid tumor predisposition syndrome 2 (RTPS2). Identifiers: Orphanet 231108, Orphanet 69077, MedGen C2750074, MONDO:0013224, OMIM 613325.

Submission:

Labcorp Genetics (formerly Invitae), Labcorp
Classification: Uncertain significance for Rhabdoid tumor predisposition syndrome 2. Last evaluated: 2018-09-04. Review status: criteria provided, single submitter. Criteria: Invitae Variant Classification Sherloc (09022015). Collection method: clinical testing. Allele origin: germline.
Comment: In summary, the available evidence is currently insufficient to determine the role of this variant in disease. Therefore, it has been classified as a Variant of Uncertain Significance. Algorithms developed to predict the effect of missense changes on protein structure and function are either unavailable or do not agree on the potential impact of this missense change (SIFT: "Deleterious"; PolyPhen-2: "Benign"; Align-GVGD: "Class C65"). This variant has not been reported in the literature in individuals with SMARCA4-related disease. This variant is not present in population databases (ExAC no frequency). This sequence change replaces glutamine with leucine at codon 611 of the SMARCA4 protein (p.Gln611Leu). The glutamine residue is highly conserved and there is a moderate physicochemical difference between glutamine and leucine.